The following is an entry in ClinVar:

NM_000719.7(CACNA1C):c.116C>T (p.Ala39Val)

Gene: CACNA1C (calcium voltage-gated channel subunit alpha1 C; plus strand). Cytogenetic location: 12p13.33.
Variant type: single nucleotide variant.
Coding change: c.116C>T on transcript NM_000719.7 (MANE Select); coding-DNA position 116, C replaced by T.
Protein change: p.Ala39Val; replaces alanine 39 with valine.
Molecular consequence: missense variant.
Genome position (GRCh38, 1-based): chr12:2,115,290, C>T. VCF-style: chr12-2115290-C-T. GRCh37 (hg19) VCF-style: chr12-2224456-C-T.
Other names: c.116C>T (LRG_334t1); c.116C>T, p.Ala39Val (NM_001129841.2, NM_001129842.2, NM_001129843.2 and 19 more transcripts); short protein forms A39V.
Identifiers: ClinVar variation 17635 (VCV000017635.3), dbSNP rs121912776, ClinGen allele CA264810.

ClinVar aggregate classification (germline): Pathogenic. Review status: no assertion criteria provided (0 of 4 stars). 3 submissions from 3 submitters: Pathogenic (1). 2 of the submissions do not count toward it. Last evaluated 2007-01-30.

Conditions:
Brugada syndrome. Also called: Sudden Unexplained Death Syndrome; Sudden unexpected nocturnal death syndrome; Sudden Unexplained Nocturnal Death Syndrome (SUNDS); Sudden unexplained nocturnal death syndrome. Identifiers: Orphanet 130, MedGen C1142166, MONDO:0015263.
Brugada syndrome 3 (BRGDA3). Identifiers: Orphanet 130, MedGen C2678478, MONDO:0012742, OMIM 611875.

Submissions (3):

OMIM
Classification: Pathogenic for BRUGADA SYNDROME 3. Last evaluated: 2007-01-30. Review status: no assertion criteria provided. Collection method: literature only. Allele origin: germline.

Cardiovascular Biomedical Research Unit, Royal Brompton & Harefield NHS Foundation Trust
No classification provided. Condition: Brugada syndrome. Review status: no classification provided. Collection method: literature only. Allele origin: germline. Not counted in ClinVar's aggregate classification.
Comment: This variant has been reported as associated with Brugada syndrome in the following publications (PMID:17224476;PMID:20817017;PMID:22385640). This is a literature report, and does not necessarily reflect the clinical interpretation of the Imperial College / Royal Brompton Cardiovascular Genetics laboratory.

GeneReviews
No classification provided. Condition: Brugada syndrome 3. Review status: no classification provided. Collection method: literature only. Allele origin: germline. Affected: yes. Not counted in ClinVar's aggregate classification.

Literature cited by the submitters: PubMed 17224476 (cited by 3 submitters); PubMed 20817017 (cited by Cardiovascular Biomedical Research Unit, Royal Brompton & Harefield NHS Foundation Trust); PubMed 22385640 (cited by Cardiovascular Biomedical Research Unit, Royal Brompton & Harefield NHS Foundation Trust); PubMed 22581653 (cited by Cardiovascular Biomedical Research Unit, Royal Brompton & Harefield NHS Foundation Trust).